The following is an entry in ClinVar:

NM_014956.5(CEP164):c.3680A>G (p.Asp1227Gly)

Gene: CEP164 (centrosomal protein 164; plus strand). Cytogenetic location: 11q23.3.
Variant type: single nucleotide variant.
Coding change: c.3680A>G on transcript NM_014956.5 (MANE Select); coding-DNA position 3680, A replaced by G.
Protein change: p.Asp1227Gly; replaces aspartic acid 1227 with glycine.
Molecular consequence: missense variant.
Genome position (GRCh38, 1-based): chr11:117,408,960, A>G. VCF-style: chr11-117408960-A-G. GRCh37 (hg19) VCF-style: chr11-117279676-A-G.
Other names: c.3689A>G, p.Asp1230Gly (NM_001271933.2); c.3680A>G (NM_014956.4); short protein forms D1227G, D1230G.
Identifiers: ClinVar variation 1038857 (VCV001038857.8), dbSNP rs765899402, ClinGen allele CA6295531.

ClinVar aggregate classification (germline): Uncertain significance. Review status: criteria provided, multiple submitters, no conflicts (2 of 4 stars). 3 submissions from 3 submitters: Uncertain significance (3). Last evaluated 2025-11-28.

Conditions:
CEP164-related disorder. Also called: CEP164-related condition.
Nephronophthisis 15 (NPHP15). Identifiers: Orphanet 3156, MedGen C3541853, MONDO:0013917, OMIM 614845.

Allele frequency attached by ClinVar (database versions not stated): TOPMed below 0.00001; gnomAD 0.00001; gnomAD exomes 0.00001; ExAC 0.00002.
gnomAD v4.1: 15 of 1,614,022 alleles (0.00093%); highest among the groups gnomAD compares: Middle Eastern, 0.049%; no homozygotes.

Submissions (3):

PreventionGenetics, part of Exact Sciences
Classification: Uncertain significance for CEP164-related condition. Last evaluated: 2025-11-28. Review status: criteria provided, single submitter. Criteria: ACMG Guidelines, 2015. Collection method: clinical testing. Allele origin: germline.
Comment: The CEP164 c.3680A>G variant is predicted to result in the amino acid substitution p.Asp1227Gly. To our knowledge, this variant has not been reported in the literature. This variant is reported in 0.0065% of alleles in individuals of South Asian descent in gnomAD. At this time, the clinical significance of this variant is uncertain due to the absence of conclusive functional and genetic evidence.

Fulgent Genetics
Classification: Uncertain significance for Nephronophthisis 15. Last evaluated: 2024-02-12. Review status: criteria provided, single submitter. Criteria: ACMG Guidelines, 2015. Collection method: clinical testing. Allele origin: germline.

Labcorp Genetics (formerly Invitae), Labcorp
Classification: Uncertain significance for Nephronophthisis 15. Last evaluated: 2021-09-01. Review status: criteria provided, single submitter. Criteria: Invitae Variant Classification Sherloc (09022015). Collection method: clinical testing. Allele origin: germline.
Comment: This sequence change replaces aspartic acid with glycine at codon 1227 of the CEP164 protein (p.Asp1227Gly). The aspartic acid residue is weakly conserved and there is a moderate physicochemical difference between aspartic acid and glycine. This variant is present in population databases (rs765899402, ExAC 0.006%). This variant has not been reported in the literature in individuals affected with CEP164-related conditions. Algorithms developed to predict the effect of missense changes on protein structure and function are either unavailable or do not agree on the potential impact of this missense change (SIFT: "Deleterious"; PolyPhen-2: "Possibly Damaging"; Align-GVGD: "Class C15"). In summary, the available evidence is currently insufficient to determine the role of this variant in disease. Therefore, it has been classified as a Variant of Uncertain Significance.